The following is an entry in ClinVar:

ClinVar aggregate classification (germline): Likely benign. Review status: criteria provided, multiple submitters, no conflicts (2 of 4 stars). 2 submissions from 2 submitters: Likely benign (2). Last evaluated 2018-06-14.

Allele frequency attached by ClinVar (database versions not stated): gnomAD exomes 0.00097; gnomAD 0.01065 and 0.01136; ESP Exome Variant Server 0.01183; 1000 Genomes Project 0.01198; TOPMed 0.01253; 1000 Genomes Project 30x 0.01327.
gnomAD v4.1: 3,100 of 1,545,968 alleles (0.2%); highest among the groups gnomAD compares: African/African-American, 3.5%; 60 homozygotes.

Submissions (2):

GeneDx
Classification: Likely benign. Last evaluated: 2018-06-14. Review status: criteria provided, single submitter. Criteria: GeneDx Variant Classification (06012015). Collection method: clinical testing. Allele origin: germline. Affected: yes.
Comment: This variant is considered likely benign or benign based on one or more of the following criteria: it is a conservative change, it occurs at a poorly conserved position in the protein, it is predicted to be benign by multiple in silico algorithms, and/or has population frequency not consistent with disease.

Breakthrough Genomics
Classification: Likely benign. Review status: criteria provided, single submitter. Criteria: ACMG Guidelines, 2015. Collection method: not provided. Allele origin: germline. Inheritance: Autosomal dominant inheritance. Affected: yes.

NM_000088.4(COL1A1):c.1768-60C>T

Gene: COL1A1 (collagen type I alpha 1 chain; minus strand). Cytogenetic location: 17q21.33.
Variant type: single nucleotide variant.
Coding change: c.1768-60C>T on transcript NM_000088.4 (MANE Select); 60 bases into the intron before coding-DNA position 1768, C replaced by T.
Molecular consequence: intron variant.
Genome position (GRCh38, 1-based): chr17:50,193,107, G>A on the plus strand (C>T on the coding strand, the complement: COL1A1 is on the minus strand). VCF-style: chr17-50193107-G-A. GRCh37 (hg19) VCF-style: chr17-48270468-G-A.
Identifiers: ClinVar variation 679588 (VCV000679588.2), dbSNP rs116464938, ClinGen allele CA291544636.
Genomic context (GRCh38, chr17:50,193,107, plus strand): 5'-CCTGTGGAGAAAGGGAGTTAGGGTTGAGGGGGCTGAAGTGAGAAGCCAGGGCCTCCTGGG[G>A]CCTCTCATTTACTCTGAGTGGGACTTTTTAAGGGACTTTCTTTTCAAAAGACTGTTTGGC-3'